The following is an entry in ClinVar:

ClinVar aggregate classification (germline): Uncertain significance (1 of 4 stars; one submission).

Conditions:
Early-infantile DEE. Also called: Ohtahara syndrome; Early infantile epileptic encephalopathy with suppression bursts; Early infantile epileptic encephalopathy. Identifiers: Orphanet 1934, MedGen C0393706, MONDO:0800491.

Submission:

Labcorp Genetics (formerly Invitae), Labcorp
Classification: Uncertain significance for Early-infantile DEE. Last evaluated: 2021-06-24. Review status: criteria provided, single submitter. Criteria: Invitae Variant Classification Sherloc (09022015). Collection method: clinical testing. Allele origin: germline.
Comment: This sequence change replaces phenylalanine with isoleucine at codon 848 of the CACNA2D2 protein (p.Phe848Ile). The phenylalanine residue is highly conserved and there is a small physicochemical difference between phenylalanine and isoleucine. This variant is not present in population databases (ExAC no frequency). Algorithms developed to predict the effect of missense changes on protein structure and function are either unavailable or do not agree on the potential impact of this missense change (SIFT: "Deleterious"; PolyPhen-2: "Benign"; Align-GVGD: "Class C15"). In summary, the available evidence is currently insufficient to determine the role of this variant in disease. Therefore, it has been classified as a Variant of Uncertain Significance. This variant has not been reported in the literature in individuals with CACNA2D2-related conditions.

NM_006030.4(CACNA2D2):c.2542T>A (p.Phe848Ile)

Genes: CACNA2D2 (calcium voltage-gated channel auxiliary subunit alpha2delta 2; minus strand), LOC101928965 (uncharacterized LOC101928965; plus strand), LOC127898564 (CYB561D2-LOC101928965; plus strand). Cytogenetic location: 3p21.31.
Variant type: single nucleotide variant.
Coding change: c.2542T>A on transcript NM_006030.4 (MANE Select); coding-DNA position 2542, T replaced by A.
Protein change: p.Phe848Ile; replaces phenylalanine 848 with isoleucine.
Molecular consequence: missense variant.
Genome position (GRCh38, 1-based): chr3:50,366,878, A>T on the plus strand (T>A on the coding strand, the complement: CACNA2D2 is on the minus strand). VCF-style: chr3-50366878-A-T. GRCh37 (hg19) VCF-style: chr3-50404309-A-T.
Other names: c.2542T>A, p.Phe848Ile (NM_001005505.3); c.2563T>A, p.Phe855Ile (NM_001174051.3); c.2335T>A, p.Phe779Ile (NM_001291101.1); short protein forms F779I, F848I, F855I.
Identifiers: ClinVar variation 1413537 (VCV001413537.9), dbSNP rs2109406246, ClinGen allele CA352910754.
Genomic context (GRCh38, chr3:50,366,878, plus strand): 5'-CCTGCCCAAATACCTTCTGAGGCTGGTCTTGGTGGGTACGGTTGCTGGCTAGCACCTTGA[A>T]CTTCTCAGCCCAAGCCTCTAGGTCCAGCTTGACGCCCACCACTTTGGGGGAGAGCAAGGG-3'
Protein context (NP_006021.2, residues 838-858): KLDLEAWAEK[Phe848Ile]KVLASNRTHQ